The following is an entry in ClinVar:

ClinVar aggregate classification (germline): Likely benign. Review status: criteria provided, multiple submitters, no conflicts (2 of 4 stars). 2 submissions from 2 submitters: Likely benign (2). Last evaluated 2026-05-15.

Conditions:
Joubert syndrome. Also called: JOUBERT-BOLTSHAUSER SYNDROME; Familial aplasia of the vermis. Identifiers: Orphanet 475, MedGen C5979921, MONDO:0018772.
AHI1-related disorder. Also called: AHI1-related condition.

Allele frequency attached by ClinVar (database versions not stated): ExAC 0.00001; gnomAD exomes 0.00001.
gnomAD v4.1: 4 of 1,613,990 alleles (0.00025%); highest among the groups gnomAD compares: Non-Finnish European, 0.00034%; no homozygotes.

Submissions (2):

PreventionGenetics, part of Exact Sciences
Classification: Likely benign for AHI1-related condition. Last evaluated: 2026-05-15. Review status: criteria provided, single submitter. Criteria: ACMG Guidelines, 2015. Collection method: clinical testing. Allele origin: germline.
Comment: This variant is classified as likely benign based on ACMG/AMP sequence variant interpretation guidelines (Richards et al. 2015 PMID: 25741868, with internal and published modifications).

Labcorp Genetics (formerly Invitae), Labcorp
Classification: Likely benign for Joubert syndrome. Last evaluated: 2024-06-01. Review status: criteria provided, single submitter. Criteria: Invitae Variant Classification Sherloc (09022015). Collection method: clinical testing. Allele origin: germline.

NM_001134831.2(AHI1):c.1012T>C (p.Leu338=)

Gene: AHI1 (Abelson helper integration site 1; minus strand). Cytogenetic location: 6q23.3.
Variant type: single nucleotide variant.
Coding change: c.1012T>C on transcript NM_001134831.2 (MANE Select); coding-DNA position 1012, T replaced by C.
Protein change: p.Leu338=; no amino-acid change (leucine 338 retained).
Molecular consequence: synonymous variant.
Genome position (GRCh38, 1-based): chr6:135,457,633, A>G on the plus strand (T>C on the coding strand, the complement: AHI1 is on the minus strand). VCF-style: chr6-135457633-A-G. GRCh37 (hg19) VCF-style: chr6-135778771-A-G.
Other names: c.1012T>C (NM_017651.4); c.1012T>C, p.Leu338= (NM_001134830.2, NM_001134832.2, NM_001350503.2 and 2 more transcripts).
Identifiers: ClinVar variation 2879063 (VCV002879063.4), dbSNP rs762044247, ClinGen allele CA4012685.
Genomic context (GRCh38, chr6:135,457,633, plus strand): 5'-CTGACTTAAGTCTATCAGTTCGGTGAATGTAAACTCCCAAGACAAGGTCATCATCAAGCA[A>G]ACATTTGGGATAAACCGGGCTATCTCGGCTTGTTATTTCATGAACACCATCACCATCAAC-3'
Protein context (NP_001128303.1, residues 328-348): SRDSPVYPKC[Leu338=]LDDDLVLGVY